The following is an entry in ClinVar:

NM_013432.5(TONSL):c.1144C>T (p.Arg382Cys)

Gene: TONSL (tonsoku like, DNA repair protein; minus strand). Cytogenetic location: 8q24.3.
Variant type: single nucleotide variant.
Coding change: c.1144C>T on transcript NM_013432.5 (MANE Select); coding-DNA position 1144, C replaced by T.
Protein change: p.Arg382Cys; replaces arginine 382 with cysteine.
Molecular consequence: missense variant.
Genome position (GRCh38, 1-based): chr8:144,440,738, G>A on the plus strand (C>T on the coding strand, the complement: TONSL is on the minus strand). VCF-style: chr8-144440738-G-A. GRCh37 (hg19) VCF-style: chr8-145666121-G-A.
Other names: c.1144C>T (NM_013432.4); short protein forms R382C.
Identifiers: ClinVar variation 1911032 (VCV001911032.4), dbSNP rs146853502, ClinGen allele CA4943381.

ClinVar aggregate classification (germline): Uncertain significance. Review status: criteria provided, multiple submitters, no conflicts (2 of 4 stars). 2 submissions from 2 submitters: Uncertain significance (2). Last evaluated 2025-08-26.

Conditions:
Inborn genetic diseases. Identifiers: MedGen C0950123, MeSH D030342.

Allele frequency attached by ClinVar (database versions not stated): gnomAD 0.00001; TOPMed 0.00003; ESP Exome Variant Server 0.00008.
gnomAD v4.1: 40 of 1,612,526 alleles (0.0025%); highest among the groups gnomAD compares: Admixed American, 0.005%; no homozygotes.

Submissions (2):

Ambry Genetics
Classification: Uncertain significance for Inborn genetic diseases. Last evaluated: 2025-08-26. Review status: criteria provided, single submitter. Criteria: Ambry Variant Classification Scheme 2023. Collection method: clinical testing. Allele origin: germline.

Labcorp Genetics (formerly Invitae), Labcorp
Classification: Uncertain significance. Last evaluated: 2023-12-18. Review status: criteria provided, single submitter. Criteria: Invitae Variant Classification Sherloc (09022015). Collection method: clinical testing. Allele origin: germline.
Comment: This sequence change replaces arginine, which is basic and polar, with cysteine, which is neutral and slightly polar, at codon 382 of the TONSL protein (p.Arg382Cys). This variant is present in population databases (rs146853502, gnomAD 0.01%). This variant has not been reported in the literature in individuals affected with TONSL-related conditions. ClinVar contains an entry for this variant (Variation ID: 1911032). Advanced modeling of protein sequence and biophysical properties (such as structural, functional, and spatial information, amino acid conservation, physicochemical variation, residue mobility, and thermodynamic stability) performed at Invitae indicates that this missense variant is not expected to disrupt TONSL protein function with a negative predictive value of 80%. In summary, the available evidence is currently insufficient to determine the role of this variant in disease. Therefore, it has been classified as a Variant of Uncertain Significance.